The following is an entry in ClinVar:

NM_001606.5(ABCA2):c.5456C>G (p.Ser1819Cys)

Gene: ABCA2 (ATP binding cassette subfamily A member 2; minus strand). Cytogenetic location: 9q34.3.
Variant type: single nucleotide variant.
Coding change: c.5456C>G on transcript NM_001606.5 (MANE Select); coding-DNA position 5456, C replaced by G.
Protein change: p.Ser1819Cys; replaces serine 1819 with cysteine.
Molecular consequence: missense variant.
Genome position (GRCh38, 1-based): chr9:137,011,923, G>C on the plus strand (C>G on the coding strand, the complement: ABCA2 is on the minus strand). VCF-style: chr9-137011923-G-C. GRCh37 (hg19) VCF-style: chr9-139906375-G-C.
Other names: c.5453C>G, p.Ser1818Cys (NM_001411042.1); c.5546C>G, p.Ser1849Cys (NM_212533.3); short protein forms S1818C, S1819C, S1849C.
Identifiers: ClinVar variation 2507302 (VCV002507302.1), dbSNP rs2491505191, ClinGen allele CA375661033.

ClinVar aggregate classification (germline): Uncertain significance (1 of 4 stars; one submission).

Submission:

GeneDx
Classification: Uncertain significance. Last evaluated: 2022-12-29. Review status: criteria provided, single submitter. Criteria: GeneDx Variant Classification Process June 2021. Collection method: clinical testing. Allele origin: germline. Affected: yes.
Comment: Not observed at significant frequency in large population cohorts (gnomAD); In silico analysis supports that this missense variant does not alter protein structure/function; Has not been previously published as pathogenic or benign to our knowledge